The following is an entry in ClinVar:

NM_030665.4(RAI1):c.3289C>T (p.Arg1097Trp)

Gene: RAI1 (retinoic acid induced 1; plus strand). Cytogenetic location: 17p11.2.
Variant type: single nucleotide variant.
Coding change: c.3289C>T on transcript NM_030665.4 (MANE Select); coding-DNA position 3289, C replaced by T.
Protein change: p.Arg1097Trp; replaces arginine 1097 with tryptophan.
Molecular consequence: missense variant.
Genome position (GRCh38, 1-based): chr17:17,796,237, C>T. VCF-style: chr17-17796237-C-T. GRCh37 (hg19) VCF-style: chr17-17699551-C-T.
Other names: short protein forms R1097W.
Identifiers: ClinVar variation 5002364 (VCV005002364.1).

ClinVar aggregate classification (germline): Uncertain significance (1 of 4 stars; one submission).

Conditions:
RAI1-related disorder. Also called: RAI1-related condition.

Submission:

PreventionGenetics, part of Exact Sciences
Classification: Uncertain significance for RAI1-related condition. Last evaluated: 2025-06-10. Review status: criteria provided, single submitter. Criteria: ACMG Guidelines, 2015. Collection method: clinical testing. Allele origin: germline.
Comment: The RAI1 c.3289C>T variant is predicted to result in the amino acid substitution p.Arg1097Trp. To our knowledge, this variant has not been reported in the literature or in a large population database (gnomAD), indicating this variant is rare. At this time, the clinical significance of this variant is uncertain due to the absence of conclusive functional and genetic evidence.